The following is an entry in ClinVar:

ClinVar aggregate classification (germline): Benign (0 of 4 stars; one submission).

Conditions:
ZFHX3-related disorder. Also called: ZFHX3-related condition.

Allele frequency attached by ClinVar (database versions not stated): ESP Exome Variant Server 0.01862; gnomAD exomes 0.03328; gnomAD 0.04795; TOPMed 0.06513; ExAC 0.07727; 1000 Genomes Project 30x 0.10899; 1000 Genomes Project 0.11042.
gnomAD v4.1: 56,582 of 1,614,138 alleles (3.5%); highest among the groups gnomAD compares: Admixed American, 31%; 5,959 homozygotes.

Submission:

PreventionGenetics, part of Exact Sciences
Classification: Benign for ZFHX3-related condition. Last evaluated: 2019-05-23. Review status: no assertion criteria provided. Collection method: clinical testing. Allele origin: germline.
Comment: This variant is classified as benign based on ACMG/AMP sequence variant interpretation guidelines (Richards et al. 2015 PMID: 25741868, with internal and published modifications).

NM_006885.4(ZFHX3):c.8178T>C (p.Leu2726=)

Genes: ZFHX3 (zinc finger homeobox 3; minus strand), ZFHX3-AS1 (ZFHX3 antisense RNA 1; plus strand). Cytogenetic location: 16q22.2.
Variant type: single nucleotide variant.
Coding change: c.8178T>C on transcript NM_006885.4 (MANE Select); coding-DNA position 8178, T replaced by C.
Protein change: p.Leu2726=; no amino-acid change (leucine 2726 retained).
Molecular consequence: synonymous variant.
Genome position (GRCh38, 1-based): chr16:72,794,504, A>G on the plus strand (T>C on the coding strand, the complement: ZFHX3 is on the minus strand). VCF-style: chr16-72794504-A-G. GRCh37 (hg19) VCF-style: chr16-72828403-A-G.
Other names: c.5436T>C, p.Leu1812= (NM_001164766.2); c.8178T>C, p.Leu2726= (NM_001386735.1).
Identifiers: ClinVar variation 3059820 (VCV003059820.2), dbSNP rs2229286, ClinGen allele CA8163099.
Genomic context (GRCh38, chr16:72,794,504, plus strand): 5'-AGTTAGGTTGTAGCCAGCTCTCTTGGCTTCATGCCAGTGACGGGACCGGATATGAGCCTC[A>G]AGAGCAGTCTTGGCTTTGAAGAGCGCTCTGCAAAAAGGGCATCTCCTGTGGGCCTGCGCT-3'
Protein context (NP_008816.3, residues 2716-2736): CRALFKAKTA[Leu2726=]EAHIRSRHWH